The following is an entry in ClinVar:

ClinVar aggregate classification (germline): Uncertain significance (0 of 4 stars; one submission).

Conditions:
JAK1-related disorder. Also called: JAK1-related condition.

Allele frequency attached by ClinVar (database versions not stated): gnomAD exomes below 0.00001.

Submission:

PreventionGenetics, part of Exact Sciences
Classification: Uncertain significance for JAK1-related condition. Last evaluated: 2024-02-27. Review status: no assertion criteria provided. Collection method: clinical testing. Allele origin: germline.
Comment: The JAK1 c.2042G>A variant is predicted to result in the amino acid substitution p.Arg681Gln. To our knowledge, this variant has not been reported in the literature. This variant is reported in 0.00088% of alleles in individuals of European (Non-Finnish) descent in gnomAD. At this time, the clinical significance of this variant is uncertain due to the absence of conclusive functional and genetic evidence.

NM_002227.4(JAK1):c.2042G>A (p.Arg681Gln)

Gene: JAK1 (Janus kinase 1; minus strand). Cytogenetic location: 1p31.3.
Variant type: single nucleotide variant.
Coding change: c.2042G>A on transcript NM_002227.4 (MANE Select); coding-DNA position 2042, G replaced by A.
Protein change: p.Arg681Gln; replaces arginine 681 with glutamine.
Molecular consequence: missense variant.
Genome position (GRCh38, 1-based): chr1:64,845,586, C>T on the plus strand (G>A on the coding strand, the complement: JAK1 is on the minus strand). VCF-style: chr1-64845586-C-T. GRCh37 (hg19) VCF-style: chr1-65311269-C-T.
Other names: c.2042G>A, p.Arg681Gln (NM_001320923.2, NM_001321852.2, NM_001321853.2 and 3 more transcripts); c.2039G>A, p.Arg680Gln (NM_001321857.2); short protein forms R680Q, R681Q.
Identifiers: ClinVar variation 3053857 (VCV003053857.2), dbSNP rs1204670695, ClinGen allele CA340667581.